The following is an entry in ClinVar:

NM_000350.3(ABCA4):c.3814-2A>G

Genes: ABCA4 (ATP binding cassette subfamily A member 4; minus strand), LOC126805794 (BRD4-independent group 4 enhancer GRCh37_chr1:94502188-94503387; plus strand). Cytogenetic location: 1p22.1.
Variant type: single nucleotide variant.
Coding change: c.3814-2A>G on transcript NM_000350.3 (MANE Select); the canonical splice acceptor site of the intron before coding-DNA position 3814, A replaced by G.
Molecular consequence: splice acceptor variant.
Genome position (GRCh38, 1-based): chr1:94,036,790, T>C on the plus strand (A>G on the coding strand, the complement: ABCA4 is on the minus strand). VCF-style: chr1-94036790-T-C. GRCh37 (hg19) VCF-style: chr1-94502346-T-C.
Identifiers: ClinVar variation 1067805 (VCV001067805.9), dbSNP rs1660350150, ClinGen allele CA341288472.
Genomic context (GRCh38, chr1:94,036,790, plus strand): 5'-AGCACCATACCCGCAAACAGAGGTCCTGAATCAGAATCCTCCGTGACCTTCAGAAAAATC[T>C]GTCAAGAAGAAAAAAAGAGAGAATTTTGTTTAGTCATTCTTATTCTCAGAAAAATCTAAC-3'

ClinVar aggregate classification (germline): Pathogenic (1 of 4 stars; one submission).

Allele frequency attached by ClinVar (database versions not stated): TOPMed below 0.00001.

Submission:

Labcorp Genetics (formerly Invitae), Labcorp
Classification: Pathogenic. Last evaluated: 2024-03-19. Review status: criteria provided, single submitter. Criteria: Invitae Variant Classification Sherloc (09022015). Collection method: clinical testing. Allele origin: germline.
Comment: This sequence change affects an acceptor splice site in intron 25 of the ABCA4 gene. It is expected to disrupt RNA splicing. Variants that disrupt the donor or acceptor splice site typically lead to a loss of protein function (PMID: 16199547), and loss-of-function variants in ABCA4 are known to be pathogenic (PMID: 10958761, 24938718, 25312043, 26780318). This variant is not present in population databases (gnomAD no frequency). Disruption of this splice site has been observed in individuals with ABCA4-related conditions (PMID: 21911583; Invitae). ClinVar contains an entry for this variant (Variation ID: 1067805). Algorithms developed to predict the effect of sequence changes on RNA splicing suggest that this variant may disrupt the consensus splice site. For these reasons, this variant has been classified as Pathogenic.

Literature cited by the submitters: PubMed 16199547; PubMed 10958761; PubMed 24938718; PubMed 25312043; PubMed 26780318; PubMed 21911583.